The following is an entry in ClinVar:

ClinVar aggregate classification (germline): Likely pathogenic (1 of 4 stars; one submission).

Conditions:
3 beta-Hydroxysteroid dehydrogenase deficiency. Also called: 3-BETA-HSD DEFICIENCY; ADRENAL HYPERPLASIA II; 3b-hydroxysteroid dehydrogenase deficiency; ADRENAL HYPERPLASIA, CONGENITAL, DUE TO 3-BETA-HYDROXYSTEROID DEHYDROGENASE 2 DEFICIENCY; Congenital adrenal hyperplasia due to 3-beta-hydroxysteroid dehydrogenase deficiency. Identifiers: Orphanet 90791, MedGen C0342471, MeSH C538236, MONDO:0008727, OMIM 201810. Disease mechanism: loss of function.

Submission:

Natera, Inc.
Classification: Likely pathogenic for 3 beta hydroxysteroid dehydrogenase deficiency. Last evaluated: 2025-04-28. Review status: criteria provided, single submitter. Criteria: Natera Variant Classification Schema (03/2026). Collection method: clinical testing. Allele origin: germline.
Comment: The c.558del variant in HSD3B2 is a frameshift variant predicted to shift the reading frame beginning at codon 187 and leads to a stop codon 15 codons downstream. This variant is expected to result in nonsense mediated decay, truncation, or a dysfunctional protein product. This variant is rare in the general population with a frequency below the threshold expected for the associated phenotype(s). Given the available evidence, this variant is classified as Likely Pathogenic.

NM_000198.4(HSD3B2):c.558del (p.Thr187fs)

Gene: HSD3B2 (hydroxy-delta-5-steroid dehydrogenase, 3 beta- and steroid delta-isomerase 2; plus strand). Cytogenetic location: 1p12.
Variant type: Deletion.
Coding change: c.558del on transcript NM_000198.4 (MANE Select); coding-DNA position 558, one base deleted (C; older notation c.558delC).
Protein change: p.Thr187fs; shifts the reading frame from threonine 187.
Molecular consequence: frameshift variant.
Genome position (GRCh38, 1-based): chr1:119,422,059, C deleted; the last of 3 consecutive C bases (chr1:119,422,057-119,422,059); deleting any one gives the same sequence. VCF-style (leftmost placement, unchanged base first): chr1-119422056-AC-A. GRCh37 (hg19) VCF-style: chr1-119964679-AC-A.
Other names: c.558del, p.Thr187fs (NM_001166120.2); short protein forms T187fs.
Identifiers: ClinVar variation 4069559 (VCV004069559.2).